The following is an entry in ClinVar:

NM_153717.3(EVC):c.840_846del (p.Ser281fs)

Gene: EVC (EvC ciliary complex subunit 1; plus strand). Cytogenetic location: 4p16.2.
Variant type: Deletion.
Coding change: c.840_846del on transcript NM_153717.3 (MANE Select); coding-DNA positions 840 to 846, 7 bases deleted (GTCAAAC; older notation c.840_846delGTCAAAC).
Protein change: p.Ser281fs; shifts the reading frame from serine 281.
Molecular consequence: frameshift variant.
Genome position (GRCh38, 1-based): chr4:5,745,242-5,745,248, GTCAAAC deleted. VCF-style (leftmost placement, unchanged base first): chr4-5745241-TGTCAAAC-T. GRCh37 (hg19) VCF-style: chr4-5746968-TGTCAAAC-T.
Other names: c.840_846del, p.Ser281fs (NM_001306090.2, NM_001306092.2); short protein forms S281fs.
Identifiers: ClinVar variation 1725758 (VCV001725758.2), dbSNP rs2475058279, ClinGen allele CA2580070782.

ClinVar aggregate classification (germline): Likely pathogenic (1 of 4 stars; one submission).

Conditions:
Ellis-van Creveld syndrome (EVC). Also called: EVC-Related Ellis-van Creveld Syndrome; EVC2-Related Ellis-van Creveld Syndrome; MESOECTODERMAL DYSPLASIA; Chondroectodermal dysplasia. Identifiers: Orphanet 289, MedGen C0013903, MONDO:0009162, OMIM 225500.

Submission:

Myriad Genetics, Inc.
Classification: Likely pathogenic for Ellis-van Creveld syndrome. Last evaluated: 2022-03-31. Review status: criteria provided, single submitter. Criteria: Myriad Women's Health Autosomal Recessive and X-Linked Classification Criteria (2021). Collection method: clinical testing. Allele origin: unknown.
Comment: NM_153717.2(EVC):c.840_846del7(S281Qfs*28) is expected to be pathogenic in the context of EVC-related Ellis-van Creveld syndrome. This variant is predicted to lead to an abnormal or absent protein product due to the creation of a premature termination codon in EVC, a gene where loss-of-function variants are known to be pathogenic. Please note: this variant was assessed in the context of healthy population screening.